The following is an entry in ClinVar:

NM_001365308.1(BMPER):c.1366A>G (p.Ile456Val)

Gene: BMPER (BMP binding endothelial regulator; plus strand). Cytogenetic location: 7p14.3.
Variant type: single nucleotide variant.
Coding change: c.1366A>G on transcript NM_001365308.1 (MANE Select); coding-DNA position 1366, A replaced by G.
Protein change: p.Ile456Val; replaces isoleucine 456 with valine.
Molecular consequence: missense variant.
Genome position (GRCh38, 1-based): chr7:34,079,144, A>G. VCF-style: chr7-34079144-A-G. GRCh37 (hg19) VCF-style: chr7-34118756-A-G.
Other names: c.1366A>G, p.Ile456Val (NM_133468.5); short protein forms I456V.
Identifiers: ClinVar variation 1720419 (VCV001720419.5), dbSNP rs893008912, ClinGen allele CA156265349.

ClinVar aggregate classification (germline): Uncertain significance (1 of 4 stars; one submission).

Allele frequency attached by ClinVar (database versions not stated): TOPMed below 0.00001.
gnomAD v4.1: 1 of 1,613,924 alleles (0.000062%); highest among the groups gnomAD compares: Non-Finnish European, 0.000085%; no homozygotes.

Submission:

Labcorp Genetics (formerly Invitae), Labcorp
Classification: Uncertain significance. Last evaluated: 2025-07-07. Review status: criteria provided, single submitter. Criteria: Invitae Variant Classification Sherloc (09022015). Collection method: clinical testing. Allele origin: germline.
Comment: This sequence change replaces isoleucine, which is neutral and non-polar, with valine, which is neutral and non-polar, at codon 456 of the BMPER protein (p.Ile456Val). This variant is not present in population databases (gnomAD no frequency). This variant has not been reported in the literature in individuals affected with BMPER-related conditions. ClinVar contains an entry for this variant (Variation ID: 1720419). Invitae Evidence Modeling of protein sequence and biophysical properties (such as structural, functional, and spatial information, amino acid conservation, physicochemical variation, residue mobility, and thermodynamic stability) indicates that this missense variant is not expected to disrupt BMPER protein function with a negative predictive value of 80%. In summary, the available evidence is currently insufficient to determine the role of this variant in disease. Therefore, it has been classified as a Variant of Uncertain Significance.